The following is an entry in ClinVar:

ClinVar aggregate classification (germline): Uncertain significance (1 of 4 stars; one submission).

Conditions:
Combined immunodeficiency due to LRBA deficiency. Also called: Common variable immunodeficiency 8, with autoimmunity. Identifiers: Orphanet 445018, MedGen C3553512, MONDO:0013863, OMIM 614700.

gnomAD v4.1: 19 of 1,613,822 alleles (0.0012%); highest among the groups gnomAD compares: Non-Finnish European, 0.0016%; no homozygotes.

Submission:

Labcorp Genetics (formerly Invitae), Labcorp
Classification: Uncertain significance for Combined immunodeficiency due to LRBA deficiency. Last evaluated: 2024-08-31. Review status: criteria provided, single submitter. Criteria: Invitae Variant Classification Sherloc (09022015). Collection method: clinical testing. Allele origin: germline.
Comment: This sequence change replaces threonine, which is neutral and polar, with isoleucine, which is neutral and non-polar, at codon 115 of the LRBA protein (p.Thr115Ile). This variant is present in population databases (no rsID available, gnomAD 0.007%). This variant has not been reported in the literature in individuals affected with LRBA-related conditions. Invitae Evidence Modeling of protein sequence and biophysical properties (such as structural, functional, and spatial information, amino acid conservation, physicochemical variation, residue mobility, and thermodynamic stability) indicates that this missense variant is not expected to disrupt LRBA protein function with a negative predictive value of 80%. In summary, the available evidence is currently insufficient to determine the role of this variant in disease. Therefore, it has been classified as a Variant of Uncertain Significance.

NM_001364905.1(LRBA):c.344C>T (p.Thr115Ile)

Gene: LRBA (LPS responsive beige-like anchor protein; minus strand). Cytogenetic location: 4q31.3.
Variant type: single nucleotide variant.
Coding change: c.344C>T on transcript NM_001364905.1 (MANE Select); coding-DNA position 344, C replaced by T.
Protein change: p.Thr115Ile; replaces threonine 115 with isoleucine.
Molecular consequence: missense variant.
Genome position (GRCh38, 1-based): chr4:150,928,938, G>A on the plus strand (C>T on the coding strand, the complement: LRBA is on the minus strand). VCF-style: chr4-150928938-G-A. GRCh37 (hg19) VCF-style: chr4-151850090-G-A.
Other names: c.344C>T, p.Thr115Ile (NM_001199282.3, NM_001367550.1, NM_006726.5); short protein forms T115I.
Identifiers: ClinVar variation 3636990 (VCV003636990.2).